The following is an entry in ClinVar:

ClinVar aggregate classification (germline): Uncertain significance. Review status: criteria provided, multiple submitters, no conflicts (2 of 4 stars). 2 submissions from 2 submitters: Uncertain significance (2). Last evaluated 2024-12-09.

Conditions:
Autosomal recessive severe congenital neutropenia due to G6PC3 deficiency. Also called: G6PC3 Deficiency; NEUTROPENIA, SEVERE CONGENITAL, 4, AUTOSOMAL RECESSIVE. Identifiers: Orphanet 331176, MedGen C2751630, MONDO:0012930, OMIM 612541.
Inborn genetic diseases. Identifiers: MedGen C0950123, MeSH D030342.

gnomAD v4.1: 1 of 1,611,930 alleles (0.000062%); no homozygotes.

Submissions (2):

Ambry Genetics
Classification: Uncertain significance for Inborn genetic diseases. Last evaluated: 2024-12-09. Review status: criteria provided, single submitter. Criteria: Ambry Variant Classification Scheme 2023. Collection method: clinical testing. Allele origin: germline.
Comment: The p.A264T variant (also known as c.790G>A), located in coding exon 6 of the G6PC3 gene, results from a G to A substitution at nucleotide position 790. The alanine at codon 264 is replaced by threonine, an amino acid with similar properties. This amino acid position is conserved. In addition, this alteration is predicted to be deleterious by in silico analysis. Based on the available evidence, the clinical significance of this variant remains unclear.

Labcorp Genetics (formerly Invitae), Labcorp
Classification: Uncertain significance for Autosomal recessive severe congenital neutropenia due to G6PC3 deficiency. Last evaluated: 2022-07-01. Review status: criteria provided, single submitter. Criteria: Invitae Variant Classification Sherloc (09022015). Collection method: clinical testing. Allele origin: germline.
Comment: This sequence change replaces alanine, which is neutral and non-polar, with threonine, which is neutral and polar, at codon 264 of the G6PC3 protein (p.Ala264Thr). This variant is not present in population databases (gnomAD no frequency). This variant has not been reported in the literature in individuals affected with G6PC3-related conditions. Advanced modeling of protein sequence and biophysical properties (such as structural, functional, and spatial information, amino acid conservation, physicochemical variation, residue mobility, and thermodynamic stability) performed at Invitae indicates that this missense variant is expected to disrupt G6PC3 protein function. In summary, the available evidence is currently insufficient to determine the role of this variant in disease. Therefore, it has been classified as a Variant of Uncertain Significance.

NM_138387.4(G6PC3):c.790G>A (p.Ala264Thr)

Gene: G6PC3 (glucose-6-phosphatase catalytic subunit 3; plus strand). Cytogenetic location: 17q21.31.
Variant type: single nucleotide variant.
Coding change: c.790G>A on transcript NM_138387.4 (MANE Select); coding-DNA position 790, G replaced by A.
Protein change: p.Ala264Thr; replaces alanine 264 with threonine.
Molecular consequence: missense variant. On other transcripts: 3 prime UTR variant (1).
Genome position (GRCh38, 1-based): chr17:44,075,792, G>A. VCF-style: chr17-44075792-G-A. GRCh37 (hg19) VCF-style: chr17-42153160-G-A.
Other names: c.*83G>A (NM_001319945.2); c.445G>A, p.Ala149Thr (NM_001384165.1, NM_001384166.1, NM_001384167.1 and 1 more transcripts); short protein forms A149T, A264T.
Identifiers: ClinVar variation 1897540 (VCV001897540.3), dbSNP rs2509372078, ClinGen allele CA399729323.